The following is an entry in ClinVar:

ClinVar aggregate classification (germline): Conflicting classifications of pathogenicity. Review status: criteria provided, conflicting classifications (1 of 4 stars). 3 submissions from 3 submitters: Uncertain significance (2); Likely benign (1). Last evaluated 2024-01-10.

Conditions:
Familial sleep-related hypermotor epilepsy. Also called: Autosomal Dominant Sleep-Related Hypermotor (Hyperkinetic) Epilepsy. Identifiers: Orphanet 98784, MedGen C3696898, MONDO:0000030.

Allele frequency attached by ClinVar (database versions not stated): ExAC 0.00006; gnomAD exomes 0.00001 and 0.00002; TOPMed 0.00001.
gnomAD v4.1: 12 of 1,601,270 alleles (0.00075%); highest among the groups gnomAD compares: Middle Eastern, 0.016%; no homozygotes.

Submissions (3):

Labcorp Genetics (formerly Invitae), Labcorp
Classification: Likely benign. Last evaluated: 2024-01-10. Review status: criteria provided, single submitter. Criteria: Invitae Variant Classification Sherloc (09022015). Collection method: clinical testing. Allele origin: germline.

GeneDx
Classification: Uncertain significance. Last evaluated: 2020-09-02. Review status: criteria provided, single submitter. Criteria: GeneDx Variant Classification Process June 2021. Collection method: clinical testing. Allele origin: germline. Affected: yes.
Comment: Not observed at a significant frequency in large population cohorts (Lek et al., 2016); In silico analysis supports that this missense variant has a deleterious effect on protein structure/function; Has not been previously published as pathogenic or benign to our knowledge

Center for Pediatric Genomic Medicine, Children's Mercy Hospital and Clinics
Classification: Uncertain significance. Last evaluated: 2016-04-22. Review status: criteria provided, single submitter. Criteria: ACMG Guidelines, 2015. Collection method: clinical testing. Allele origin: germline.
ClinVar note: Converted during submission from Uncertain Significance to Uncertain significance.

NM_000744.7(CHRNA4):c.254C>T (p.Thr85Met)

Genes: CHRNA4 (cholinergic receptor nicotinic alpha 4 subunit; minus strand), LOC126863087 (P300/CBP strongly-dependent group 1 enhancer GRCh37_chr20:61986832-61988031; plus strand). Cytogenetic location: 20q13.33.
Variant type: single nucleotide variant.
Coding change: c.254C>T on transcript NM_000744.7 (MANE Select); coding-DNA position 254, C replaced by T.
Protein change: p.Thr85Met; replaces threonine 85 with methionine.
Molecular consequence: missense variant. On other transcripts: 5 prime UTR variant (1), non-coding transcript variant (1).
Genome position (GRCh38, 1-based): chr20:63,356,390, G>A on the plus strand (C>T on the coding strand, the complement: CHRNA4 is on the minus strand). VCF-style: chr20-63356390-G-A. GRCh37 (hg19) VCF-style: chr20-61987742-G-A.
Other names: c.-293C>T (NM_001256573.2); short protein forms T85M.
Identifiers: ClinVar variation 377110 (VCV000377110.12), dbSNP rs199699339, ClinGen allele CA9957908.